The following is an entry in ClinVar:

NM_006766.5(KAT6A):c.3207AGA[1] (p.Glu1074del)

Gene: KAT6A (lysine acetyltransferase 6A; minus strand). Cytogenetic location: 8p11.21.
Variant type: Microsatellite.
Coding change: c.3207AGA[1] on transcript NM_006766.5 (MANE Select); one copy of the 3-base unit AGA starting at c.3207; the reference has two copies in a row; one copy, 3 bases deleted.
Protein change: p.Glu1074del; deletes glutamic acid 1074.
Molecular consequence: inframe deletion.
Genome position (GRCh38, 1-based): chr8:41,937,396-41,937,398, TCT deleted on the plus strand (AGA on the coding strand, the reverse complement: KAT6A is on the minus strand); deleting any 3 consecutive bases within chr8:41,937,396-41,937,403 gives the same sequence; the position shown is the placement nearest the transcript's 3' end. VCF-style (leftmost placement, unchanged base first): chr8-41937395-CTCT-C. GRCh37 (hg19) VCF-style: chr8-41794913-CTCT-C.
Other names: short protein forms E1074del.
Identifiers: ClinVar variation 2628918 (VCV002628918.1), dbSNP rs1564007821, ClinGen allele CA915617463.
Genomic context (GRCh38, chr8:41,937,395, plus strand): 5'-CTGCGAAGACAAACGACGGAAGTATTCTCTAGGGAAAAGTTCATTTTCATCCTCTTCCTC[CTCT>C]TCTTCATCGATCTCAAACGTGGGTTCTAATCTTGGCATTGGCCTCTCGGAGTCAGAATCT-3'

ClinVar aggregate classification (germline): Uncertain significance (1 of 4 stars; one submission).

Conditions:
KAT6A-related disorder. Also called: KAT6A-related condition.

Submission:

PreventionGenetics, part of Exact Sciences
Classification: Uncertain significance for KAT6A-related condition. Last evaluated: 2022-11-01. Review status: criteria provided, single submitter. Criteria: ACMG Guidelines, 2015. Collection method: clinical testing. Allele origin: germline.
Comment: The KAT6A c.3210_3212delAGA variant is predicted to result in an in-frame deletion (p.Glu1074del). To our knowledge, this variant has not been reported in the literature. This variant is reported in 0.0065% of alleles in individuals of European (Non-Finnish) descent in gnomAD. At this time, the clinical significance of this variant is uncertain due to the absence of conclusive functional and genetic evidence.